The following is an entry in ClinVar:

ClinVar aggregate classification (germline): Uncertain significance. Review status: criteria provided, multiple submitters, no conflicts (2 of 4 stars). 3 submissions from 3 submitters: Uncertain significance (2). 1 of the submissions does not count toward it. Last evaluated 2024-11-27.

Conditions:
Familial dysautonomia. Also called: HSAN III; FD. Identifiers: Orphanet 1764, MedGen C0013364, MONDO:0009131, OMIM 223900. Disease mechanism: loss of function.
Medulloblastoma (MDB). Also called: Medulloblastoma, somatic; MEDULLOBLASTOMA PREDISPOSITION SYNDROME. Identifiers: Orphanet 616, MedGen C0025149, MeSH D008527, MONDO:0007959, OMIM 155255, HP:0002885.

Allele frequency attached by ClinVar (database versions not stated): ExAC 0.00002; gnomAD 0.00002 and 0.00003; gnomAD exomes 0.00002; TOPMed 0.00002; 1000 Genomes Project 30x 0.00016; 1000 Genomes Project 0.00020.
gnomAD v4.1: 15 of 1,612,944 alleles (0.00093%); highest among the groups gnomAD compares: East Asian, 0.0089%; no homozygotes.

Submissions (3):

Labcorp Genetics (formerly Invitae), Labcorp
Classification: Uncertain significance. Last evaluated: 2024-11-27. Review status: criteria provided, single submitter. Criteria: Invitae Variant Classification Sherloc (09022015). Collection method: clinical testing. Allele origin: germline.
Comment: This sequence change replaces asparagine, which is neutral and polar, with serine, which is neutral and polar, at codon 753 of the ELP1 protein (p.Asn753Ser). This variant is present in population databases (rs201601641, gnomAD 0.01%). This variant has not been reported in the literature in individuals affected with ELP1-related conditions. ClinVar contains an entry for this variant (Variation ID: 850644). Invitae Evidence Modeling of protein sequence and biophysical properties (such as structural, functional, and spatial information, amino acid conservation, physicochemical variation, residue mobility, and thermodynamic stability) has been performed for this missense variant. However, the output from this modeling did not meet the statistical confidence thresholds required to predict the impact of this variant on ELP1 protein function. In summary, the available evidence is currently insufficient to determine the role of this variant in disease. Therefore, it has been classified as a Variant of Uncertain Significance.

Fulgent Genetics
Classification: Uncertain significance for Medulloblastoma; Familial dysautonomia. Last evaluated: 2024-02-10. Review status: criteria provided, single submitter. Criteria: ACMG Guidelines, 2015. Collection method: clinical testing. Allele origin: germline.

Natera, Inc.
Classification: Uncertain significance for Familial dysautonomia. Last evaluated: 2020-07-23. Review status: no assertion criteria provided. Collection method: clinical testing. Allele origin: germline. Not counted in ClinVar's aggregate classification.

NM_003640.5(ELP1):c.2258A>G (p.Asn753Ser)

Gene: ELP1 (elongator acetyltransferase complex subunit 1; minus strand). Cytogenetic location: 9q31.3.
Variant type: single nucleotide variant.
Coding change: c.2258A>G on transcript NM_003640.5 (MANE Select); coding-DNA position 2258, A replaced by G.
Protein change: p.Asn753Ser; replaces asparagine 753 with serine.
Molecular consequence: missense variant.
Genome position (GRCh38, 1-based): chr9:108,898,696, T>C on the plus strand (A>G on the coding strand, the complement: ELP1 is on the minus strand). VCF-style: chr9-108898696-T-C. GRCh37 (hg19) VCF-style: chr9-111660976-T-C.
Other names: c.1916A>G, p.Asn639Ser (NM_001318360.2); c.1211A>G, p.Asn404Ser (NM_001330749.2); short protein forms N404S, N753S, N639S.
Identifiers: ClinVar variation 850644 (VCV000850644.11), dbSNP rs201601641, ClinGen allele CA5174722.
Genomic context (GRCh38, chr9:108,898,696, plus strand): 5'-AGTAAGCTAGAGTAAATGACAGCTTAGAAAGTTACCTTAGGGTTATGATCATAAATCAGA[T>C]TGAGATTGATTCTCAGCTTTCTCATGCATTCAAATGCCTCTTTAAACATAAGTCTGTGAG-3'
Protein context (NP_003631.2, residues 743-763): ECMRKLRINL[Asn753Ser]LIYDHNPKVF